The following is an entry in ClinVar:

ClinVar aggregate classification (germline): Conflicting classifications of pathogenicity. Review status: criteria provided, conflicting classifications (1 of 4 stars). 3 submissions from 3 submitters: Likely pathogenic (2); Uncertain significance (1). Last evaluated 2025-05-22.

Conditions:
Inborn genetic diseases. Identifiers: MedGen C0950123, MeSH D030342.

Submissions (3):

Ambry Genetics
Classification: Likely pathogenic for Inborn genetic diseases. Last evaluated: 2025-05-22. Review status: criteria provided, single submitter. Criteria: Ambry Variant Classification Scheme 2023. Collection method: clinical testing. Allele origin: germline.
Comment: The c.1880A>G (p.H627R) alteration is located in exon 13 (coding exon 12) of the GLI3 gene. This alteration results from an A to G substitution at nucleotide position 1880, causing the histidine (H) at amino acid position 627 to be replaced by an arginine (R). This variant was not reported in population-based cohorts in the Genome Aggregation Database (gnomAD). This variant was reported in individual(s) with features consistent with Grieg cephalopolysyndactyly syndrome (external communication). This missense alteration is located in a region that has a low rate of benign missense variation (Lek, 2016; Firth, 2009). This alteration is predicted to be deleterious by in silico analysis. Based on the available evidence, this alteration is classified as likely pathogenic.

GeneDx
Classification: Uncertain significance. Last evaluated: 2023-02-13. Review status: criteria provided, single submitter. Criteria: GeneDx Variant Classification Process June 2021. Collection method: clinical testing. Allele origin: germline. Affected: yes.
Comment: Not observed at significant frequency in large population cohorts (gnomAD); In silico analysis supports that this missense variant has a deleterious effect on protein structure/function; Has not been previously published as pathogenic or benign to our knowledge

CeGaT Center for Human Genetics Tuebingen
Classification: Likely pathogenic. Last evaluated: 2022-12-01. Review status: criteria provided, single submitter. Criteria: CeGaT Center For Human Genetics Tuebingen Variant Classification Criteria Version 2. Collection method: clinical testing. Allele origin: germline. Affected: yes. Observed: 1 variant allele.
Comment: GLI3: PM2, PM5, PP3, PP4

NM_000168.6(GLI3):c.1880A>G (p.His627Arg)

Gene: GLI3 (GLI family zinc finger 3; minus strand). Cytogenetic location: 7p14.1.
Variant type: single nucleotide variant.
Coding change: c.1880A>G on transcript NM_000168.6 (MANE Select); coding-DNA position 1880, A replaced by G.
Protein change: p.His627Arg; replaces histidine 627 with arginine.
Molecular consequence: missense variant.
Genome position (GRCh38, 1-based): chr7:41,972,560, T>C on the plus strand (A>G on the coding strand, the complement: GLI3 is on the minus strand). VCF-style: chr7-41972560-T-C. GRCh37 (hg19) VCF-style: chr7-42012159-T-C.
Other names: c.1880A>G (NM_000168.5); short protein forms H627R.
Identifiers: ClinVar variation 1879687 (VCV001879687.31), dbSNP rs2128710017, ClinGen allele CA367322625.